The following is an entry in ClinVar:

NM_000203.5(IDUA):c.1627C>A (p.Arg543Ser)

Gene: IDUA (alpha-L-iduronidase; plus strand). Cytogenetic location: 4p16.3.
Variant type: single nucleotide variant.
Coding change: c.1627C>A on transcript NM_000203.5 (MANE Select); coding-DNA position 1627, C replaced by A.
Protein change: p.Arg543Ser; replaces arginine 543 with serine.
Molecular consequence: missense variant. On other transcripts: non-coding transcript variant (1).
Genome position (GRCh38, 1-based): chr4:1,003,447, C>A. VCF-style: chr4-1003447-C-A. GRCh37 (hg19) VCF-style: chr4-997235-C-A.
Other names: c.1231C>A, p.Arg411Ser (NM_001363576.1); short protein forms R411S, R543S.
Identifiers: ClinVar variation 1923905 (VCV001923905.2), dbSNP rs1715245511, ClinGen allele CA355965087.
Genomic context (GRCh38, chr4:1,003,447, plus strand): 5'-CGCCTGACCCTGCGCCCCGCGCTGCGGCTGCCGTCGCTTTTGCTGGTGCACGTGTGTGCG[C>A]GCCCCGAGAAGCCGCCCGGGCAGGCAAGTGGCAGTCCCCTAACCCGCGCCGCGGCCCGGA-3'
Protein context (NP_000194.2, residues 533-553): PSLLLVHVCA[Arg543Ser]PEKPPGQVTR

ClinVar aggregate classification (germline): Uncertain significance (1 of 4 stars; one submission).

Conditions:
Mucopolysaccharidosis type 1. Also called: IDUA deficiency; MPS I. Identifiers: Orphanet 579, MedGen C0023786, MONDO:0001586.

Allele frequency attached by ClinVar (database versions not stated): TOPMed 0.00001.

Submission:

Labcorp Genetics (formerly Invitae), Labcorp
Classification: Uncertain significance for Mucopolysaccharidosis type 1. Last evaluated: 2022-06-08. Review status: criteria provided, single submitter. Criteria: Invitae Variant Classification Sherloc (09022015). Collection method: clinical testing. Allele origin: germline.
Comment: This sequence change replaces arginine, which is basic and polar, with serine, which is neutral and polar, at codon 543 of the IDUA protein (p.Arg543Ser). This variant is not present in population databases (gnomAD no frequency). This variant has not been reported in the literature in individuals affected with IDUA-related conditions. Advanced modeling of protein sequence and biophysical properties (such as structural, functional, and spatial information, amino acid conservation, physicochemical variation, residue mobility, and thermodynamic stability) performed at Invitae indicates that this missense variant is expected to disrupt IDUA protein function. In summary, the available evidence is currently insufficient to determine the role of this variant in disease. Therefore, it has been classified as a Variant of Uncertain Significance.